The following is an entry in ClinVar:

ClinVar aggregate classification (germline): Uncertain significance (1 of 4 stars; one submission).

Conditions:
Niemann-Pick disease, type C1. Also called: NIEMANN-PICK DISEASE, VARIANT TYPE C1; NEUROVISCERAL STORAGE DISEASE WITH VERTICAL SUPRANUCLEAR OPHTHALMOPLEGIA; NIEMANN-PICK DISEASE WITH CHOLESTEROL ESTERIFICATION BLOCK; NIEMANN-PICK DISEASE WITHOUT SPHINGOMYELINASE DEFICIENCY; NIEMANN-PICK DISEASE, CHRONIC NEURONOPATHIC FORM. Identifiers: Orphanet 646, MedGen C3179455, MONDO:0009757, OMIM 257220.

Submission:

Labcorp Genetics (formerly Invitae), Labcorp
Classification: Uncertain significance for Niemann-Pick disease, type C1. Last evaluated: 2019-12-03. Review status: criteria provided, single submitter. Criteria: Invitae Variant Classification Sherloc (09022015). Collection method: clinical testing. Allele origin: germline.
Comment: This sequence change falls in intron 4 of the NPC1 gene. It does not directly change the encoded amino acid sequence of the NPC1 protein, but it affects a nucleotide within the consensus splice site of the intron. In summary, the available evidence is currently insufficient to determine the role of this variant in disease. Therefore, it has been classified as a Variant of Uncertain Significance. Nucleotide substitutions within the consensus splice site are a relatively common cause of aberrant splicing (PMID: 17576681, 9536098). Algorithms developed to predict the effect of sequence changes on RNA splicing suggest that this variant is not likely to affect RNA splicing, but this prediction has not been confirmed by published transcriptional studies. This variant has not been reported in the literature in individuals with NPC1-related conditions. This variant is not present in population databases (ExAC no frequency).

Literature cited by the submitters: PubMed 17576681; PubMed 9536098.

NM_000271.5(NPC1):c.463+3A>G

Gene: NPC1 (NPC intracellular cholesterol transporter 1; minus strand). Cytogenetic location: 18q11.2.
Variant type: single nucleotide variant.
Coding change: c.463+3A>G on transcript NM_000271.5 (MANE Select); 3 bases into the intron after coding-DNA position 463, A replaced by G.
Molecular consequence: intron variant.
Genome position (GRCh38, 1-based): chr18:23,568,820, T>C on the plus strand (A>G on the coding strand, the complement: NPC1 is on the minus strand). VCF-style: chr18-23568820-T-C. GRCh37 (hg19) VCF-style: chr18-21148784-T-C.
Identifiers: ClinVar variation 856484 (VCV000856484.7), dbSNP rs2059162323, ClinGen allele CA916083634.